The following is an entry in ClinVar:

ClinVar aggregate classification (germline): Uncertain significance. Review status: criteria provided, multiple submitters, no conflicts (2 of 4 stars). 2 submissions from 2 submitters: Uncertain significance (2). Last evaluated 2024-12-31.

Allele frequency attached by ClinVar (database versions not stated): gnomAD exomes below 0.00001 and 0.00001; ExAC 0.00002; gnomAD 0.00003; TOPMed 0.00003; 1000 Genomes Project 0.00020; 1000 Genomes Project 30x 0.00031.
gnomAD v4.1: 11 of 1,612,444 alleles (0.00068%); highest among the groups gnomAD compares: Admixed American, 0.015%; no homozygotes.

Submissions (2):

Labcorp Genetics (formerly Invitae), Labcorp
Classification: Uncertain significance. Last evaluated: 2024-12-31. Review status: criteria provided, single submitter. Criteria: Invitae Variant Classification Sherloc (09022015). Collection method: clinical testing. Allele origin: germline.
Comment: This sequence change replaces glutamic acid, which is acidic and polar, with glutamine, which is neutral and polar, at codon 37 of the IFNAR2 protein (p.Glu37Gln). This variant is present in population databases (rs201003373, gnomAD 0.009%). This variant has not been reported in the literature in individuals affected with IFNAR2-related conditions. ClinVar contains an entry for this variant (Variation ID: 1475937). An algorithm developed to predict the effect of missense changes on protein structure and function outputs the following: PolyPhen-2: "Benign". The glutamine amino acid residue is found in multiple mammalian species, which suggests that this missense change does not adversely affect protein function. In summary, the available evidence is currently insufficient to determine the role of this variant in disease. Therefore, it has been classified as a Variant of Uncertain Significance.

Breakthrough Genomics
Classification: Uncertain significance. Review status: criteria provided, single submitter. Criteria: ACMG Guidelines, 2015. Collection method: not provided. Allele origin: germline. Inheritance: Autosomal dominant inheritance. Affected: yes.

NM_001289125.3(IFNAR2):c.109G>C (p.Glu37Gln)

Genes: IFNAR2 (interferon alpha and beta receptor subunit 2; plus strand), IFNAR2-IL10RB (IFNAR2-IL10RB readthrough; plus strand). Cytogenetic location: 21q22.11.
Variant type: single nucleotide variant.
Coding change: c.109G>C on transcript NM_001289125.3 (MANE Select); coding-DNA position 109, G replaced by C.
Protein change: p.Glu37Gln; replaces glutamic acid 37 with glutamine.
Molecular consequence: missense variant.
Genome position (GRCh38, 1-based): chr21:33,244,962, G>C. VCF-style: chr21-33244962-G-C. GRCh37 (hg19) VCF-style: chr21-34617267-G-C.
Other names: c.109G>C, p.Glu37Gln (NM_000874.5, NM_001289126.2, NM_001289128.2 and 4 more transcripts); short protein forms E37Q.
Identifiers: ClinVar variation 1475937 (VCV001475937.5), dbSNP rs201003373, ClinGen allele CA10005561.
Genomic context (GRCh38, chr21:33,244,962, plus strand): 5'-TACAACTGTGGGTTCCAAATTTCAATGCCCTTTTTCTTCTTCTCTTTAGATTACACAGAT[G>C]AATCTTGCACTTTCAAGATATCATTGCGAAATTTCCGGTCCATCTTATCATGGGAATTAA-3'
Protein context (NP_001276054.1, residues 27-47): ISYDSPDYTD[Glu37Gln]SCTFKISLRN